The following is an entry in ClinVar:

NM_198060.4(NRAP):c.1110+7A>G

Gene: NRAP (nebulin related anchoring protein; minus strand). Cytogenetic location: 10q25.3.
Variant type: single nucleotide variant.
Coding change: c.1110+7A>G on transcript NM_198060.4 (MANE Select); 7 bases into the intron after coding-DNA position 1110, A replaced by G.
Molecular consequence: intron variant.
Genome position (GRCh38, 1-based): chr10:113,645,818, T>C on the plus strand (A>G on the coding strand, the complement: NRAP is on the minus strand). VCF-style: chr10-113645818-T-C. GRCh37 (hg19) VCF-style: chr10-115405577-T-C.
Other names: c.1110+7A>G (NM_006175.5, NM_001322945.2, NM_001261463.2).
Identifiers: ClinVar variation 4820552 (VCV004820552.1), dbSNP rs765642212.

ClinVar aggregate classification (germline): Uncertain significance (1 of 4 stars; one submission).

Conditions:
Cardiovascular phenotype. Identifiers: MedGen CN230736.

Submission:

Molecular Diagnostic Laboratory for Inherited Cardiovascular Disease, Montreal Heart Institute
Classification: Uncertain significance for Cardiovascular phenotype. Last evaluated: 2026-03-27. Review status: criteria provided, single submitter. Criteria: ACMG Guidelines, 2015. Collection method: clinical testing. Allele origin: germline. Affected: yes.
Comment: PVS1_supp, PM2